The following is an entry in ClinVar:

NM_001385012.1(NBEA):c.8035G>A (p.Ala2679Thr)

Gene: NBEA (neurobeachin; plus strand). Cytogenetic location: 13q13.3.
Variant type: single nucleotide variant.
Coding change: c.8035G>A on transcript NM_001385012.1 (MANE Select); coding-DNA position 8035, G replaced by A.
Protein change: p.Ala2679Thr; replaces alanine 2679 with threonine.
Molecular consequence: missense variant.
Genome position (GRCh38, 1-based): chr13:35,651,876, G>A. VCF-style: chr13-35651876-G-A. GRCh37 (hg19) VCF-style: chr13-36226013-G-A.
Other names: c.1351G>A, p.Ala451Thr (NM_001204197.3); c.8026G>A, p.Ala2676Thr (NM_001379245.1); c.7972G>A, p.Ala2658Thr (NM_015678.5); short protein forms A2658T, A2676T, A2679T, A451T.
Identifiers: ClinVar variation 3776555 (VCV003776555.1).

ClinVar aggregate classification (germline): Uncertain significance (1 of 4 stars; one submission).

gnomAD v4.1: 1 of 1,509,400 alleles (0.000066%); highest among the groups gnomAD compares: African/African-American, 0.0014%; no homozygotes.

Submission:

GeneDx
Classification: Uncertain significance. Last evaluated: 2024-10-03. Review status: criteria provided, single submitter. Criteria: GeneDx Variant Classification Process June 2021. Collection method: clinical testing. Allele origin: germline. Affected: yes.
Comment: Not observed at significant frequency in large population cohorts (gnomAD); In silico analysis supports that this missense variant has a deleterious effect on protein structure/function; Has not been previously published as pathogenic or benign to our knowledge